The following is an entry in ClinVar:

ClinVar aggregate classification (germline): Uncertain significance (1 of 4 stars; one submission).

Conditions:
Cardiovascular phenotype. Identifiers: MedGen CN230736.

Submission:

Ambry Genetics
Classification: Uncertain significance for Cardiovascular phenotype. Last evaluated: 2023-02-16. Review status: criteria provided, single submitter. Criteria: Ambry Variant Classification Scheme 2023. Collection method: clinical testing. Allele origin: germline.
Comment: The p.L354S variant (also known as c.1061T>C), located in coding exon 10 of the PRKAG2 gene, results from a T to C substitution at nucleotide position 1061. The leucine at codon 354 is replaced by serine, an amino acid with dissimilar properties. This amino acid position is conserved. In addition, this alteration is predicted to be deleterious by in silico analysis. Since supporting evidence is limited at this time, the clinical significance of this alteration remains unclear.

NM_016203.4(PRKAG2):c.1061T>C (p.Leu354Ser)

Gene: PRKAG2 (protein kinase AMP-activated non-catalytic subunit gamma 2; minus strand). Cytogenetic location: 7q36.1.
Variant type: single nucleotide variant.
Coding change: c.1061T>C on transcript NM_016203.4 (MANE Select); coding-DNA position 1061, T replaced by C.
Protein change: p.Leu354Ser; replaces leucine 354 with serine.
Molecular consequence: missense variant.
Genome position (GRCh38, 1-based): chr7:151,570,216, A>G on the plus strand (T>C on the coding strand, the complement: PRKAG2 is on the minus strand). VCF-style: chr7-151570216-A-G. GRCh37 (hg19) VCF-style: chr7-151267302-A-G.
Other names: c.929T>C, p.Leu310Ser (NM_001040633.2, NM_001407024.1); c.686T>C, p.Leu229Ser (NM_001304527.2, NM_001407029.1); c.338T>C, p.Leu113Ser (NM_001304531.2, NM_001407034.1, NM_001407035.1 and 1 more transcripts); c.689T>C, p.Leu230Ser (NM_001363698.2, NM_001407028.1); c.1061T>C, p.Leu354Ser (NM_001407021.1); c.1058T>C, p.Leu353Ser (NM_001407022.1, NM_001407023.1); c.926T>C, p.Leu309Ser (NM_001407026.1, NM_001407027.1); c.773T>C, p.Leu258Ser (NM_001407030.1); and 6 more; short protein forms L113S, L133S, L309S, L310S, L129S, L230S, L258S, L353S.
Identifiers: ClinVar variation 2452945 (VCV002452945.2), dbSNP rs2536346478, ClinGen allele CA370071803.